The following is an entry in ClinVar:

ClinVar aggregate classification (germline): Uncertain significance. Review status: criteria provided, multiple submitters, no conflicts (2 of 4 stars). 2 submissions from 2 submitters: Uncertain significance (2). Last evaluated 2025-08-24.

Conditions:
Inborn genetic diseases. Identifiers: MedGen C0950123, MeSH D030342.
Brachyolmia-amelogenesis imperfecta syndrome. Also called: PLATYSPONDYLY WITH AMELOGENESIS IMPERFECTA; Tooth agenesis, selective, 6; Dental anomalies and short stature. Identifiers: Orphanet 2899, MedGen C1832594, MONDO:0011018, OMIM 601216. Disease mechanism: loss of function.

Allele frequency attached by ClinVar (database versions not stated): gnomAD exomes below 0.00001; gnomAD 0.00001; TOPMed 0.00001; ExAC 0.00008; 1000 Genomes Project 30x 0.00016; 1000 Genomes Project 0.00020.

Submissions (2):

Ambry Genetics
Classification: Uncertain significance for Inborn genetic diseases. Last evaluated: 2025-08-24. Review status: criteria provided, single submitter. Criteria: Ambry Variant Classification Scheme 2023. Collection method: clinical testing. Allele origin: germline.
Comment: The p.A1153V variant (also known as c.3458C>T), located in coding exon 25 of the LTBP3 gene, results from a C to T substitution at nucleotide position 3458. The alanine at codon 1153 is replaced by valine, an amino acid with similar properties. This amino acid position is conserved. In addition, this alteration is predicted to be tolerated by in silico analysis. Based on the available evidence, the clinical significance of this variant remains unclear.

Labcorp Genetics (formerly Invitae), Labcorp
Classification: Uncertain significance for Brachyolmia-amelogenesis imperfecta syndrome. Last evaluated: 2024-07-01. Review status: criteria provided, single submitter. Criteria: Invitae Variant Classification Sherloc (09022015). Collection method: clinical testing. Allele origin: germline.
Comment: This sequence change replaces alanine, which is neutral and non-polar, with valine, which is neutral and non-polar, at codon 1153 of the LTBP3 protein (p.Ala1153Val). The frequency data for this variant in the population databases is considered unreliable, as metrics indicate poor data quality at this position in the gnomAD database. This variant has not been reported in the literature in individuals affected with LTBP3-related conditions. ClinVar contains an entry for this variant (Variation ID: 2162369). An algorithm developed to predict the effect of missense changes on protein structure and function (PolyPhen-2) suggests that this variant is likely to be tolerated. In summary, the available evidence is currently insufficient to determine the role of this variant in disease. Therefore, it has been classified as a Variant of Uncertain Significance.

NM_001130144.3(LTBP3):c.3458C>T (p.Ala1153Val)

Gene: LTBP3 (latent transforming growth factor beta binding protein 3; minus strand). Cytogenetic location: 11q13.1.
Variant type: single nucleotide variant.
Coding change: c.3458C>T on transcript NM_001130144.3 (MANE Select); coding-DNA position 3458, C replaced by T.
Protein change: p.Ala1153Val; replaces alanine 1153 with valine.
Molecular consequence: missense variant.
Genome position (GRCh38, 1-based): chr11:65,539,809, G>A on the plus strand (C>T on the coding strand, the complement: LTBP3 is on the minus strand). VCF-style: chr11-65539809-G-A. GRCh37 (hg19) VCF-style: chr11-65307280-G-A.
Other names: c.2966C>T, p.Ala989Val (NM_001164266.1); c.3317C>T, p.Ala1106Val (NM_021070.4); c.3458C>T (NM_001130144.2); short protein forms A1106V, A989V, A1153V.
Identifiers: ClinVar variation 2162369 (VCV002162369.5), dbSNP rs578222622, ClinGen allele CA6100283.